The following is an entry in ClinVar:

NM_000209.4(PDX1):c.455C>T (p.Ala152Val)

Gene: PDX1 (pancreatic and duodenal homeobox 1; plus strand). Cytogenetic location: 13q12.2.
Variant type: single nucleotide variant.
Coding change: c.455C>T on transcript NM_000209.4 (MANE Select); coding-DNA position 455, C replaced by T.
Protein change: p.Ala152Val; replaces alanine 152 with valine.
Molecular consequence: missense variant.
Genome position (GRCh38, 1-based): chr13:27,924,304, C>T. VCF-style: chr13-27924304-C-T. GRCh37 (hg19) VCF-style: chr13-28498441-C-T.
Other names: c.455C>T (NM_000209.3); short protein forms A152V.
Identifiers: ClinVar variation 917443 (VCV000917443.10), dbSNP rs1355562073, ClinGen allele CA387645353.

ClinVar aggregate classification (germline): Uncertain significance. Review status: criteria provided, multiple submitters, no conflicts (2 of 4 stars). 3 submissions from 3 submitters: Uncertain significance (3). Last evaluated 2025-10-01.

Conditions:
Monogenic diabetes. Identifiers: Orphanet 183625, MedGen C3888631, MONDO:0015967.

Allele frequency attached by ClinVar (database versions not stated): gnomAD exomes below 0.00001; TOPMed below 0.00001.

Submissions (3):

Labcorp Genetics (formerly Invitae), Labcorp
Classification: Uncertain significance. Last evaluated: 2025-10-01. Review status: criteria provided, single submitter. Criteria: Invitae Variant Classification Sherloc (09022015). Collection method: clinical testing. Allele origin: germline.
Comment: This sequence change replaces alanine, which is neutral and non-polar, with valine, which is neutral and non-polar, at codon 152 of the PDX1 protein (p.Ala152Val). This variant is present in population databases (no rsID available, gnomAD 0.0009%). This variant has not been reported in the literature in individuals affected with PDX1-related conditions. ClinVar contains an entry for this variant (Variation ID: 917443). Invitae Evidence Modeling of protein sequence and biophysical properties (such as structural, functional, and spatial information, amino acid conservation, physicochemical variation, residue mobility, and thermodynamic stability) indicates that this missense variant is expected to disrupt PDX1 protein function with a positive predictive value of 80%. In summary, the available evidence is currently insufficient to determine the role of this variant in disease. Therefore, it has been classified as a Variant of Uncertain Significance.

Athena Diagnostics
Classification: Uncertain significance. Last evaluated: 2023-05-09. Review status: criteria provided, single submitter. Criteria: Athena Diagnostics Criteria. Collection method: clinical testing. Allele origin: unknown.
Comment: Available data are insufficient to determine the clinical significance of the variant at this time. The frequency of this variant in the general population is uninformative in assessment of its pathogenicity. Computational tools predict that this variant is damaging.

Personalized Diabetes Medicine Program, University of Maryland School of Medicine
Classification: Uncertain significance for Monogenic diabetes. Last evaluated: 2018-01-12. Review status: criteria provided, single submitter. Criteria: ACMG Guidelines, 2015. Collection method: research. Allele origin: unknown. Observed: 1 variant allele, 1 heterozygote.
Comment: ACMG criteria: PP3 (10 predictors), PM2 (1 copy in gnomAD)=VUS